The following is an entry in ClinVar:

ClinVar aggregate classification (germline): Uncertain significance (1 of 4 stars; one submission).

Submission:

Labcorp Genetics (formerly Invitae), Labcorp
Classification: Uncertain significance. Last evaluated: 2022-06-05. Review status: criteria provided, single submitter. Criteria: Invitae Variant Classification Sherloc (09022015). Collection method: clinical testing. Allele origin: germline.
Comment: Experimental studies and prediction algorithms are not available or were not evaluated, and the functional significance of this variant is currently unknown. This variant has not been reported in the literature in individuals affected with USH1C-related conditions. A copy number gain of the genomic region encompassing the full coding sequence of the USH1C gene has been identified. The boundaries of this event are unknown as they extend beyond the assayed region for this gene and therefore may encompass additional genes. As the precise location of this event is unknown, it may be in tandem or it may be located elsewhere in the genome. In summary, the available evidence is currently insufficient to determine the role of this variant in disease. Therefore, it has been classified as a Variant of Uncertain Significance.

NC_000011.9:g.(?_17448576)_(17600093_?)dup

Genes: ABCC8 (ATP binding cassette subfamily C member 8; minus strand), OTOG (otogelin; plus strand), USH1C (USH1 protein network component harmonin; minus strand). Cytogenetic location: 11p15.1.
Variant type: Duplication.
Identifiers: ClinVar variation 1448432 (VCV001448432.5).